The following is an entry in ClinVar:

ClinVar aggregate classification (germline): Conflicting classifications of pathogenicity. Review status: criteria provided, conflicting classifications (1 of 4 stars). 2 submissions from 2 submitters: Uncertain significance (1); Likely benign (1). Last evaluated 2025-11-25.

Allele frequency attached by ClinVar (database versions not stated): gnomAD 0.00002; TOPMed 0.00004.
gnomAD v4.1: 20 of 1,614,016 alleles (0.0012%); highest among the groups gnomAD compares: African/African-American, 0.004%; no homozygotes.

Submissions (2):

Labcorp Genetics (formerly Invitae), Labcorp
Classification: Uncertain significance. Last evaluated: 2025-11-25. Review status: criteria provided, single submitter. Criteria: Invitae Variant Classification Sherloc (09022015). Collection method: clinical testing. Allele origin: germline.
Comment: This sequence change replaces arginine, which is basic and polar, with glutamine, which is neutral and polar, at codon 693 of the HYOU1 protein (p.Arg693Gln). This variant is present in population databases (rs372581628, gnomAD 0.007%). This variant has not been reported in the literature in individuals affected with HYOU1-related conditions. ClinVar contains an entry for this variant (Variation ID: 1904202). An algorithm developed to predict the effect of missense changes on protein structure and function outputs the following: PolyPhen-2: "Benign". The glutamine amino acid residue is found in multiple mammalian species, which suggests that this missense change does not adversely affect protein function. In summary, the available evidence is currently insufficient to determine the role of this variant in disease. Therefore, it has been classified as a Variant of Uncertain Significance.

Ambry Genetics
Classification: Likely benign. Last evaluated: 2024-11-15. Review status: criteria provided, single submitter. Criteria: Ambry Variant Classification Scheme 2023. Collection method: clinical testing. Allele origin: germline.

NM_006389.5(HYOU1):c.2078G>A (p.Arg693Gln)

Gene: HYOU1 (hypoxia up-regulated 1; minus strand). Cytogenetic location: 11q23.3.
Variant type: single nucleotide variant.
Coding change: c.2078G>A on transcript NM_006389.5 (MANE Select); coding-DNA position 2078, G replaced by A.
Protein change: p.Arg693Gln; replaces arginine 693 with glutamine.
Molecular consequence: missense variant.
Genome position (GRCh38, 1-based): chr11:119,048,801, C>T on the plus strand (G>A on the coding strand, the complement: HYOU1 is on the minus strand). VCF-style: chr11-119048801-C-T. GRCh37 (hg19) VCF-style: chr11-118919513-C-T.
Other names: c.2078G>A, p.Arg693Gln (NM_001130991.3, NM_001411041.1); c.2078G>A (NM_006389.3); short protein forms R693Q.
Identifiers: ClinVar variation 1904202 (VCV001904202.6), dbSNP rs372581628, ClinGen allele CA229619246.